The following is an entry in ClinVar:

ClinVar aggregate classification (germline): Likely benign (1 of 4 stars; one submission).

Allele frequency attached by ClinVar (database versions not stated): gnomAD 0.00999; TOPMed 0.01067; 1000 Genomes Project 0.01338; 1000 Genomes Project 30x 0.01421.
gnomAD v4.1: 1,485 of 150,720 alleles (0.99%); highest among the groups gnomAD compares: African/African-American, 3.5%; 30 homozygotes.

Submission:

GeneDx
Classification: Likely benign. Last evaluated: 2021-05-18. Review status: criteria provided, single submitter. Criteria: GeneDx Variant Classification Process June 2021. Collection method: clinical testing. Allele origin: germline. Affected: yes.
Comment: See Variant Classification Assertion Criteria.

NM_020166.5(MCCC1):c.1083+208C>G

Gene: MCCC1 (methylcrotonyl-CoA carboxylase subunit 1; minus strand). Cytogenetic location: 3q27.1.
Variant type: single nucleotide variant.
Coding change: c.1083+208C>G on transcript NM_020166.5 (MANE Select); 208 bases into the intron after coding-DNA position 1083, C replaced by G.
Molecular consequence: intron variant.
Genome position (GRCh38, 1-based): chr3:183,045,205, G>C on the plus strand (C>G on the coding strand, the complement: MCCC1 is on the minus strand). VCF-style: chr3-183045205-G-C. GRCh37 (hg19) VCF-style: chr3-182762993-G-C.
Other names: c.756+208C>G (NM_001363880.1); c.732+208C>G (NM_001293273.2).
Identifiers: ClinVar variation 1707366 (VCV001707366.2), dbSNP rs113456152, ClinGen allele CA88708608.